The following is an entry in ClinVar:

NM_000515.5(GH1):c.450G>C (p.Leu150=)

Genes: GH-LCR (growth hormone locus control region; plus strand), GH1 (growth hormone 1; minus strand). Cytogenetic location: 17q23.3.
Variant type: single nucleotide variant.
Coding change: c.450G>C on transcript NM_000515.5 (MANE Select); coding-DNA position 450, G replaced by C.
Protein change: p.Leu150=; no amino-acid change (leucine 150 retained).
Molecular consequence: synonymous variant.
Genome position (GRCh38, 1-based): chr17:63,917,766, C>G on the plus strand (G>C on the coding strand, the complement: GH1 is on the minus strand). VCF-style: chr17-63917766-C-G. GRCh37 (hg19) VCF-style: chr17-61995126-C-G.
Other names: c.405G>C, p.Leu135= (NM_022559.4); c.330G>C, p.Leu110= (NM_022560.4).
Identifiers: ClinVar variation 724369 (VCV000724369.11), dbSNP rs113379310, ClinGen allele CA8708187.

ClinVar aggregate classification (germline): Likely benign. Review status: criteria provided, multiple submitters, no conflicts (2 of 4 stars). 3 submissions from 3 submitters: Likely benign (2). 1 of the submissions does not count toward it. Last evaluated 2026-06-10.

Conditions:
GH1-related disorder. Also called: GH1-related condition.

Allele frequency attached by ClinVar (database versions not stated): gnomAD exomes 0.00003 and 0.00005; ExAC 0.00007; gnomAD 0.00021 and 0.00022; TOPMed 0.00023; ESP Exome Variant Server 0.00031; 1000 Genomes Project 0.00060; 1000 Genomes Project 30x 0.00062.
gnomAD v4.1: 88 of 1,614,208 alleles (0.0055%); highest among the groups gnomAD compares: African/African-American, 0.085%; 1 homozygote.

Submissions (3):

Women's Health and Genetics/Laboratory Corporation of America, LabCorp
Classification: Likely benign. Last evaluated: 2026-06-10. Review status: criteria provided, single submitter. Criteria: LabCorp Variant Classification Summary - May 2015. Collection method: clinical testing. Allele origin: germline.
Comment: Variant summary: GH1 c.450G>C alters a conserved nucleotide resulting in a synonymous change. Consensus agreement among computation tools predict no significant impact on normal splicing. However, these predictions have yet to be confirmed by functional studies. The variant allele was found at a frequency of 5.2e-05 in 251454 control chromosomes. This frequency is not significantly higher than estimated for disease-causing variants in GH1, allowing no conclusion about variant significance. To our knowledge, no occurrence of c.450G>C in individuals affected with GH1-related conditions and no experimental evidence demonstrating its impact on protein function have been reported. ClinVar contains an entry for this variant (Variation ID: 724369). Based on the evidence outlined above, the variant was classified as likely benign.

Labcorp Genetics (formerly Invitae), Labcorp
Classification: Likely benign. Last evaluated: 2025-05-30. Review status: criteria provided, single submitter. Criteria: Invitae Variant Classification Sherloc (09022015). Collection method: clinical testing. Allele origin: germline.

PreventionGenetics, part of Exact Sciences
Classification: Likely benign for GH1-related condition. Last evaluated: 2019-09-19. Review status: no assertion criteria provided. Collection method: clinical testing. Allele origin: germline. Not counted in ClinVar's aggregate classification.
Comment: This variant is classified as likely benign based on ACMG/AMP sequence variant interpretation guidelines (Richards et al. 2015 PMID: 25741868, with internal and published modifications).